The following is an entry in ClinVar:

ClinVar aggregate classification (germline): Uncertain significance (1 of 4 stars; one submission).

Submission:

Labcorp Genetics (formerly Invitae), Labcorp
Classification: Uncertain significance. Last evaluated: 2021-02-03. Review status: criteria provided, single submitter. Criteria: Invitae Variant Classification Sherloc (09022015). Collection method: clinical testing. Allele origin: germline.
Comment: In summary, the available evidence is currently insufficient to determine the role of this variant in disease. Therefore, it has been classified as a Variant of Uncertain Significance. Algorithms developed to predict the effect of missense changes on protein structure and function are either unavailable or do not agree on the potential impact of this missense change (SIFT: "Deleterious"; PolyPhen-2: "Probably Damaging"; Align-GVGD: "Class C0"). This variant has not been reported in the literature in individuals with TECTA-related conditions. This variant is not present in population databases (ExAC no frequency). This sequence change replaces glycine with aspartic acid at codon 157 of the TECTA protein (p.Gly157Asp). The glycine residue is highly conserved and there is a moderate physicochemical difference between glycine and aspartic acid.

NM_005422.4(TECTA):c.470G>A (p.Gly157Asp)

Genes: TBCEL-TECTA (TBCEL-TECTA readthrough; plus strand), TECTA (tectorin alpha; plus strand). Cytogenetic location: 11q23.3.
Variant type: single nucleotide variant.
Coding change: c.470G>A on transcript NM_005422.4 (MANE Select); coding-DNA position 470, G replaced by A.
Protein change: p.Gly157Asp; replaces glycine 157 with aspartic acid.
Molecular consequence: missense variant.
Genome position (GRCh38, 1-based): chr11:121,109,482, G>A. VCF-style: chr11-121109482-G-A. GRCh37 (hg19) VCF-style: chr11-120980191-G-A.
Other names: c.1427G>A, p.Gly476Asp (NM_001378761.1); short protein forms G157D, G476D.
Identifiers: ClinVar variation 1507207 (VCV001507207.8), dbSNP rs2135055092, ClinGen allele CA383021013.